The following is an entry in ClinVar:

NM_000104.4(CYP1B1):c.247del (p.Asp83fs)

Gene: CYP1B1 (cytochrome P450 family 1 subfamily B member 1; minus strand). Cytogenetic location: 2p22.2.
Variant type: Deletion.
Coding change: c.247del on transcript NM_000104.4 (MANE Select); coding-DNA position 247, one base deleted (G; older notation c.247delG).
Protein change: p.Asp83fs; shifts the reading frame from aspartic acid 83.
Molecular consequence: frameshift variant.
Genome position (GRCh38, 1-based): chr2:38,075,142, C deleted on the plus strand (G on the coding strand, the reverse complement: CYP1B1 is on the minus strand). VCF-style (leftmost placement, unchanged base first): chr2-38075141-TC-T. GRCh37 (hg19) VCF-style: chr2-38302284-TC-T.
Other names: NM_000104.4:c.247del; short protein forms D83fs.
Identifiers: ClinVar variation 5018486 (VCV005018486.1).
Genomic context (GRCh38, chr2:38,075,141, plus strand): 5'-ATGGCGCGCTCGCCATTCAGCACCACTATGGGGCAGCTGCCCAGGCGGATCTGGAAAACG[TC>T]GCCGTAGCGCCGCGCCAGGCGAGCGAACGAGAGGTGAGCCGCCTGGCCCACCGCCGCCGC-3'

ClinVar aggregate classification (germline): Pathogenic (3 of 4 stars; one submission).

Conditions:
CYP1B1-related glaucoma with or without anterior segment dysgenesis. Identifiers: MedGen CN375931, MONDO:0800472.

Submission:

ClinGen Glaucoma Variant Curation Expert Panel
Classification: Pathogenic for CYP1B1-related glaucoma with or without anterior segment dysgenesis. Last evaluated: 2026-10-12. Review status: reviewed by expert panel. Criteria: ClinGen Glaucoma ACMG Specifications CYP1B1 V2.0. Collection method: curation. Allele origin: germline. Inheritance: Autosomal recessive inheritance.
Comment: The c.247del variant in CYP1B1 is a deletion of a single nucleotide, predicted to encode a frameshift with consequent premature termination of the protein at codon 12 of the frameshift (p.Asp83ThrfsTer12). This frameshift variant was predicted to undergo NMD, meeting PVS1. The highest minor allele frequency of this variant was in the South Asian genetic ancestry group of gnomAD (v4.1) = 0.00001133 (1 allele out of 88,282), which met the ≤ 0.0005 threshold set for PM2_Supporting in a genetic ancestry group of at least 2,000 alleles. There was no functional evidence predicting a damaging or benign impact of this variant on CYP1B1 function. This variant has been identified in 2 individuals with a CYP1B1-related phenotype. These individuals are homozygous (consanguineous) (PMIDs: 20057908, 36083974). Total proband points = 0.5, meeting PM3_Supporting. In summary, this variant met the criteria to receive a score of 10 and to be classified as pathogenic (pathogenic classification ≥ 10, adapted from PMID: 32720330) for CYP1B1-related glaucoma with or without anterior segment dysgenesis (ASD) based on the ACMG/AMP criteria met, as specified by the ClinGen Glaucoma VCEP (v2.0, 16.07.2026): PVS1, PM2_Supporting, PM3_Supporting